The following is an entry in ClinVar:

ClinVar aggregate classification (germline): Uncertain significance (1 of 4 stars; one submission).

Submission:

GeneDx
Classification: Uncertain significance. Last evaluated: 2025-01-10. Review status: criteria provided, single submitter. Criteria: GeneDx Variant Classification Process June 2021. Collection method: clinical testing. Allele origin: germline. Affected: yes.
Comment: Not observed at significant frequency in large population cohorts (gnomAD); In silico analysis supports that this missense variant has a deleterious effect on protein structure/function; Has not been previously published as pathogenic or benign to our knowledge

NM_018426.3(TMEM63B):c.1885T>C (p.Cys629Arg)

Gene: TMEM63B (transmembrane protein 63B; plus strand). Cytogenetic location: 6p21.1.
Variant type: single nucleotide variant.
Coding change: c.1885T>C on transcript NM_018426.3 (MANE Select); coding-DNA position 1885, T replaced by C.
Protein change: p.Cys629Arg; replaces cysteine 629 with arginine.
Molecular consequence: missense variant.
Genome position (GRCh38, 1-based): chr6:44,152,641, T>C. VCF-style: chr6-44152641-T-C. GRCh37 (hg19) VCF-style: chr6-44120378-T-C.
Other names: c.1885T>C, p.Cys629Arg (NM_001318792.1); short protein forms C629R.
Identifiers: ClinVar variation 4057055 (VCV004057055.1).
Genomic context (GRCh38, chr6:44,152,641, plus strand): 5'-TCTCCCCCCCAGCATCAGGCCTACGAGTTCCAGTTTGGCGCAGCCTACGCCTGGATGATG[T>C]GCGTCTTCACGGTGGTCATGACCTACAGTATCACCTGCCCCATCATCGTGCCCTTCGGTA-3'
Protein context (NP_060896.1, residues 619-639): QFGAAYAWMM[Cys629Arg]VFTVVMTYSI